The following is an entry in ClinVar:

ClinVar aggregate classification (germline): Uncertain significance (1 of 4 stars; one submission).

Conditions:
Inborn genetic diseases. Identifiers: MedGen C0950123, MeSH D030342.

gnomAD v4.1: 15 of 1,613,636 alleles (0.00093%); highest among the groups gnomAD compares: Non-Finnish European, 0.0012%; no homozygotes.

Submission:

Ambry Genetics
Classification: Uncertain significance for Inborn genetic diseases. Last evaluated: 2026-04-01. Review status: criteria provided, single submitter. Criteria: Ambry Variant Classification Scheme 2023. Collection method: clinical testing. Allele origin: germline.
Comment: The c.1351C>T (p.R451W) alteration is located in exon 13 (coding exon 12) of the ITSN1 gene. This alteration results from a C to T substitution at nucleotide position 1351, causing the arginine (R) at amino acid position 451 to be replaced by a tryptophan (W). Based on data from gnomAD, the T allele has an overall frequency of <0.001% (1/251300) total alleles studied. The highest observed frequency was 0.001% (1/113666) of European (non-Finnish) alleles. Based on insufficient or conflicting evidence, the clinical significance of this alteration remains unclear.

NM_003024.3(ITSN1):c.1351C>T (p.Arg451Trp)

Gene: ITSN1 (intersectin 1; plus strand). Cytogenetic location: 21q22.11.
Variant type: single nucleotide variant.
Coding change: c.1351C>T on transcript NM_003024.3 (MANE Select); coding-DNA position 1351, C replaced by T.
Protein change: p.Arg451Trp; replaces arginine 451 with tryptophan.
Molecular consequence: missense variant.
Genome position (GRCh38, 1-based): chr21:33,774,774, C>T. VCF-style: chr21-33774774-C-T. GRCh37 (hg19) VCF-style: chr21-35147078-C-T.
Other names: c.1351C>T, p.Arg451Trp (NM_001001132.2, NM_001331008.2, NM_001331009.2 and 2 more transcripts); c.1240C>T, p.Arg414Trp (NM_001331012.2); short protein forms R414W, R451W.
Identifiers: ClinVar variation 4858534 (VCV004858534.1).
Genomic context (GRCh38, chr21:33,774,774, plus strand): 5'-CTGTAAATGTCACAGGCTGCAAAACGGGAACTTGAAAGGCAACGACAACTTGAGTGGGAA[C>T]GGAATCGAAGGCAAGAACTACTAAATCAAAGAAACAAAGAACAAGAGGACATAGTTGTAC-3'
Protein context (NP_003015.2, residues 441-461): LERQRQLEWE[Arg451Trp]NRRQELLNQR